The following is an entry in ClinVar:

ClinVar aggregate classification (germline): Uncertain significance (1 of 4 stars; one submission).

Conditions:
Pierpont syndrome (PRPTS). Identifiers: Orphanet 487825, MedGen C1865644, MONDO:0011213, OMIM 602342.

Submission:

Labcorp Genetics (formerly Invitae), Labcorp
Classification: Uncertain significance for Pierpont syndrome. Last evaluated: 2024-05-15. Review status: criteria provided, single submitter. Criteria: Invitae Variant Classification Sherloc (09022015). Collection method: clinical testing. Allele origin: germline.
Comment: This variant, c.257_271del, results in the deletion of 5 amino acid(s) of the TBL1XR1 protein (p.Ala86_Asp90del), but otherwise preserves the integrity of the reading frame. This variant is not present in population databases (gnomAD no frequency). This variant has not been reported in the literature in individuals affected with TBL1XR1-related conditions. Experimental studies and prediction algorithms are not available or were not evaluated, and the functional significance of this variant is currently unknown. In summary, the available evidence is currently insufficient to determine the role of this variant in disease. Therefore, it has been classified as a Variant of Uncertain Significance.

NM_024665.7(TBL1XR1):c.257_271del (p.Ala86_Asp90del)

Gene: TBL1XR1 (TBL1X/Y related 1; minus strand). Cytogenetic location: 3q26.32.
Variant type: Deletion.
Coding change: c.257_271del on transcript NM_024665.7 (MANE Select); coding-DNA positions 257 to 271, 15 bases deleted (CCGTAATGCCTGATG).
Protein change: p.Ala86_Asp90del.
Molecular consequence: inframe deletion. On other transcripts: initiator codon variant (2).
Genome position (GRCh38, 1-based): chr3:177,051,660-177,051,674, CATCAGGCATTACGG deleted on the plus strand (CCGTAATGCCTGATG on the coding strand, the reverse complement: TBL1XR1 is on the minus strand); deleting any 15 consecutive bases within chr3:177,051,660-177,051,678 gives the same sequence; the c. name uses the placement nearest the transcript's 3' end. VCF-style (leftmost placement, unchanged base first): chr3-177051659-ACATCAGGCATTACGG-A. GRCh37 (hg19) VCF-style: chr3-176769447-ACATCAGGCATTACGG-A.
Other names: c.257_271del, p.Ala86_Asp90del (NM_001321193.3, NM_001321194.3, NM_001374327.1 and 2 more transcripts); c.-5_10del, p.Met1_Val4del (NM_001321195.3, NM_001374330.1).
Identifiers: ClinVar variation 2739451 (VCV002739451.3), dbSNP rs2473733895, ClinGen allele CA2697556990.
Genomic context (GRCh38, chr3:177,051,659, plus strand): 5'-GCAGCTGCTGCCTGTTGCTGTGCAAGCTTATCTCTATAAGCTTGTTGTCTTGTTTGTACT[ACATCAGGCATTACGG>A]CATCTATCAGGGACAGAGACTCTATTGGTCGACCATCAAACAAGGTACCATCCTGGATTT-3'